The following is an entry in ClinVar:

ClinVar aggregate classification (germline): Pathogenic. Review status: reviewed by expert panel (3 of 4 stars). 2 submissions from 2 submitters: Pathogenic (1). 1 of the submissions does not count toward it. Last evaluated 2016-10-18.

Conditions:
Hereditary cancer-predisposing syndrome. Also called: Hereditary Cancer Syndrome; Neoplastic Syndromes, Hereditary; Hereditary neoplastic syndrome; Tumor predisposition. Identifiers: Orphanet 140162, MedGen C0027672, MeSH D009386, MONDO:0015356.
Breast-ovarian cancer, familial, susceptibility to, 1 (BROVCA1). Also called: BRCA1 Hereditary Breast and Ovarian Cancer; OVARIAN CANCER, SUSCEPTIBILITY TO. Identifiers: Orphanet 145, MedGen C2676676, MONDO:0011450, OMIM 604370. Disease mechanism: loss of function.

gnomAD v4.1: 1 of 1,614,138 alleles (0.000062%); highest among the groups gnomAD compares: Non-Finnish European, 0.000085%; no homozygotes.

Submissions (2):

Evidence-based Network for the Interpretation of Germline Mutant Alleles (ENIGMA)
Classification: Pathogenic for Breast-ovarian cancer, familial, susceptibility to, 1. Last evaluated: 2016-10-18. Review status: reviewed by expert panel. Criteria: ENIGMA BRCA1/2 Classification Criteria (2015). Collection method: curation. Allele origin: germline.
Comment: Variant allele predicted to encode a truncated non-functional protein.

Molecular Diagnostics Laboratory, Catalan Institute of Oncology
Classification: Pathogenic for Hereditary cancer-predisposing syndrome. Last evaluated: 2024-10-20. Review status: criteria provided, single submitter. Criteria: ClinGen BRCA1BRCA2 ACMG Specifications BRCA1 V1.0.0. Collection method: clinical testing. Allele origin: germline. Not counted in ClinVar's aggregate classification.
Comment: PVS1, PM2_Supporting, PM5_PTC_Strong c.4255G>T, located in exon 12 (13 according BIC nomenclature) of the BRCA1 gene, is a nonsense variant expected to result in loss of function by premature protein truncation and nonsense-mediated mRNA decay (PVS1, PM5_PTC_Strong). No effect is predicted on splicing by SpliceAI. It is not present in the population database gnomAD v2.1.1, non cancer dataset (PM2_supporting). To our knowledge, no relevant clinical data has been reported for this variant. In addition, the variant has been identified in the ClinVar*** database (1x PAT), BRCA Exchange database (PAT), and it is present in the LOVD database (1xPAT). Based on currently available information, the variant c.4255G>T should be considered a pathogenic variant.

NM_007294.4(BRCA1):c.4255G>T (p.Glu1419Ter)

Gene: BRCA1 (BRCA1 DNA repair associated; minus strand). Cytogenetic location: 17q21.31.
Variant type: single nucleotide variant.
Coding change: c.4255G>T on transcript NM_007294.4 (MANE Select); coding-DNA position 4255, G replaced by T.
Protein change: p.Glu1419Ter; replaces glutamic acid 1419 with a stop codon.
Molecular consequence: nonsense. On other transcripts: non-coding transcript variant (1).
Genome position (GRCh38, 1-based): chr17:43,082,506, C>A on the plus strand (G>T on the coding strand, the complement: BRCA1 is on the minus strand). VCF-style: chr17-43082506-C-A. GRCh37 (hg19) VCF-style: chr17-41234523-C-A.
Other names: 4374G>T; c.4054G>T, p.Glu1352Ter (NM_001407862.1); c.4132G>T, p.Glu1378Ter (NM_001407863.1, NM_001407939.1, NM_001407648.1 and 13 more transcripts); c.4042G>T, p.Glu1348Ter (NM_001407894.1, NM_001407895.1, NM_001407896.1 and 12 more transcripts); c.4045G>T, p.Glu1349Ter (NM_001407900.1, NM_001407902.1, NM_001407904.1 and 9 more transcripts); c.3991G>T, p.Glu1331Ter (NM_001407920.1, NM_001407921.1, NM_001407922.1 and 7 more transcripts); c.4129G>T, p.Glu1377Ter (NM_001407940.1, NM_001407941.1, NM_001407649.1 and 12 more transcripts); c.4114G>T, p.Glu1372Ter (NM_001407942.1, NM_001407944.1, NM_001407945.1 and 23 more transcripts); and 52 more; short protein forms E1419*, E1372*, E316*, E1123*, E1291*, E1329*, E1348*, E1349*.
Identifiers: ClinVar variation 266463 (VCV000266463.6), dbSNP rs80357309, ClinGen allele CA10589675.
Genomic context (GRCh38, chr17:43,082,506, plus strand): 5'-GGGCAGAAGAGTCACTTATGATGGAAGGGTAGCTGTTAGAAGGCTGGCTCCCATGCTGTT[C>A]TAACACAGCTTCTAGTTCAGCCATTTCCTGCTGGAGCTTTATCAGGTTATGTTGCATGGT-3'